The following is an entry in ClinVar:

NM_000138.5(FBN1):c.5993G>A (p.Cys1998Tyr)

Gene: FBN1 (fibrillin 1; minus strand). Cytogenetic location: 15q21.1.
Variant type: single nucleotide variant.
Coding change: c.5993G>A on transcript NM_000138.5 (MANE Select); coding-DNA position 5993, G replaced by A.
Protein change: p.Cys1998Tyr; replaces cysteine 1998 with tyrosine.
Molecular consequence: missense variant.
Genome position (GRCh38, 1-based): chr15:48,444,585, C>T on the plus strand (G>A on the coding strand, the complement: FBN1 is on the minus strand). VCF-style: chr15-48444585-C-T. GRCh37 (hg19) VCF-style: chr15-48736782-C-T.
Other names: short protein forms C1998Y.
Identifiers: ClinVar variation 426268 (VCV000426268.9), dbSNP rs1085307531, ClinGen allele CA392339704.

ClinVar aggregate classification (germline): Pathogenic/Likely pathogenic. Review status: criteria provided, multiple submitters, no conflicts (2 of 4 stars). 4 submissions from 4 submitters: Pathogenic (2); Likely pathogenic (2). Last evaluated 2021-12-02.

Conditions:
Marfan syndrome (MFS). Also called: FBN1-Related Marfan Syndrome; MARFAN SYNDROME, TYPE I; Marfan syndrome type 1; Marfan's syndrome; Marfan syndrome, classic. Identifiers: Orphanet 284963, Orphanet 558, MedGen C0024796, MONDO:0007947, OMIM 154700.
Familial thoracic aortic aneurysm and aortic dissection (TAAD). Also called: Thoracic aortic aneurysms and dissections. Identifiers: Orphanet 91387, MedGen C4707243, MONDO:0019625.
FBN1-related disorder. Also called: FBN1-related disorders.

Submissions (4):

Labcorp Genetics (formerly Invitae), Labcorp
Classification: Pathogenic for Marfan syndrome; Familial thoracic aortic aneurysm and aortic dissection. Last evaluated: 2021-12-02. Review status: criteria provided, single submitter. Criteria: Invitae Variant Classification Sherloc (09022015). Collection method: clinical testing. Allele origin: germline.
Comment: This sequence change replaces cysteine, which is neutral and slightly polar, with tyrosine, which is neutral and polar, at codon 1998 of the FBN1 protein (p.Cys1998Tyr). This variant is not present in population databases (gnomAD no frequency). This missense change has been observed in individual(s) with Marfan syndrome (PMID: 12203992; Invitae). ClinVar contains an entry for this variant (Variation ID: 426268). Advanced modeling of protein sequence and biophysical properties (such as structural, functional, and spatial information, amino acid conservation, physicochemical variation, residue mobility, and thermodynamic stability) performed at Invitae indicates that this missense variant is expected to disrupt FBN1 protein function. This variant affects a cysteine residue in the EGF-like, TGFBP or hybrid motif domains of FBN1. Cysteine residues are believed to be involved in intramolecular disulfide bridges and have been shown to be important for FBN1 protein structure (PMID: 16905551, 19349279). In addition, missense substitutions affecting cysteine residues within these domains are significantly overrepresented among patients with Marfan syndrome (PMID: 16571647, 17701892). For these reasons, this variant has been classified as Pathogenic.

Blueprint Genetics
Classification: Likely pathogenic for FBN1-related disorders. Last evaluated: 2020-04-24. Review status: criteria provided, single submitter. Criteria: ACMG Guidelines, 2015. Collection method: clinical testing. Allele origin: germline. Affected: yes. Observed: 1 variant allele.

GeneDx
Classification: Likely pathogenic. Last evaluated: 2017-04-24. Review status: criteria provided, single submitter. Criteria: GeneDx Variant Classification (06012015). Collection method: clinical testing. Allele origin: germline. Affected: yes.
Comment: A C1998Y variant that is likely pathogenic was identified in the FBN1 gene. In addition, the C1998Y variant has also been reported in one patientwith Marfan syndrome or a Marfan-like phenotype, specific clinical information was not provided(Howarth et al., 2007). The C1998Y variant is not observed in large population cohorts (Lek et al.,2016; 1000 Genomes Consortium et al., 2015; Exome Variant Server). The C1998Y variant is anon-conservative amino acid substitution, which is likely to impact secondary protein structure asthese residues differ in polarity, charge, size and/or other properties. This substitution occurs at aposition that is conserved across species, and in silico analysis predicts this variant is probablydamaging to the protein structure/function. Furthermore, the C1998Y variant affects a cysteineresidue within a calcium-binding EGF-like domain of the FBN1 gene, which may affect disulfidebonding and is predicted to alter the structure and function of the protein. Cysteine substitutions in thecalcium-binding EGF-like domains represent the majority of pathogenic missense changes associatedwith Marfan syndrome (Collod-Beroud et al., 2003). Finally, other likely pathogenic missense variantsaffecting the same residue (C1998R, C1998S) have been reported in individuals meeting Ghent criteriafor a diagnosis of Marfan syndrome (Baudhuin et al., 2015; Proost et al., 2015).

Clinical Genetics Service, Universitary Hospital 12 de Octubre
Classification: Pathogenic for Marfan syndrome. Review status: criteria provided, single submitter. Criteria: ACMG Guidelines, 2015. Collection method: clinical testing. Allele origin: germline. Affected: yes.

Literature cited by the submitters: PubMed 12203992 (cited by Labcorp Genetics (formerly Invitae), Labcorp); PubMed 16905551 (cited by Labcorp Genetics (formerly Invitae), Labcorp); PubMed 19349279 (cited by Labcorp Genetics (formerly Invitae), Labcorp); PubMed 16571647 (cited by Labcorp Genetics (formerly Invitae), Labcorp); PubMed 17701892 (cited by Labcorp Genetics (formerly Invitae), Labcorp).